The following is an entry in ClinVar:

NM_003072.5(SMARCA4):c.2001+8T>G

Gene: SMARCA4 (SWI/SNF related BAF chromatin remodeling complex subunit ATPase 4; plus strand). Cytogenetic location: 19p13.2.
Variant type: single nucleotide variant.
Coding change: c.2001+8T>G on transcript NM_003072.5 (MANE Select); 8 bases into the intron after coding-DNA position 2001, T replaced by G.
Molecular consequence: intron variant.
Genome position (GRCh38, 1-based): chr19:11,003,405, T>G. VCF-style: chr19-11003405-T-G. GRCh37 (hg19) VCF-style: chr19-11114081-T-G.
Other names: c.2001+8T>G (NM_001128844.3, NM_001128849.3, NM_001128847.4 and 6 more transcripts).
Identifiers: ClinVar variation 212238 (VCV000212238.55), dbSNP rs112549813, ClinGen allele CA208815.

ClinVar aggregate classification (germline): Benign/Likely benign. Review status: criteria provided, multiple submitters, no conflicts (2 of 4 stars). 12 submissions from 12 submitters: Benign (8); Likely benign (4). Last evaluated 2026-07-10.

Conditions:
Coffin-Siris syndrome. Identifiers: Orphanet 1465, MedGen C0265338, MONDO:0015452.
Intellectual disability, autosomal dominant 16 (CSS4). Also called: COFFIN-SIRIS SYNDROME 4. Identifiers: Orphanet 1465, MedGen C3553249, MONDO:0013821, OMIM 614609.
Rhabdoid tumor predisposition syndrome 2 (RTPS2). Identifiers: Orphanet 231108, Orphanet 69077, MedGen C2750074, MONDO:0013224, OMIM 613325.

Allele frequency attached by ClinVar (database versions not stated): gnomAD exomes 0.00039 and 0.00095; 1000 Genomes Project 30x 0.00312; 1000 Genomes Project 0.00339; ESP Exome Variant Server 0.00369; ExAC 0.00127; TOPMed 0.00404; gnomAD 0.00367 and 0.00384.
gnomAD v4.1: 1,195 of 1,612,242 alleles (0.074%); highest among the groups gnomAD compares: African/African-American, 1.3%; 18 homozygotes.

Submissions (12):

Myriad Genetics, Inc.
Classification: Benign for Rhabdoid tumor predisposition syndrome 2. Last evaluated: 2026-07-10. Review status: criteria provided, single submitter. Criteria: Myriad Autosomal Dominant, Autosomal Recessive and X-Linked Classification Criteria (2023). Collection method: clinical testing. Allele origin: unknown.
Comment: This variant is considered benign. This variant is intronic and is not expected to impact mRNA splicing. This variant has been observed at a population frequency that is significantly greater than expected given the associated disease prevalence and penetrance.

CeGaT Center for Human Genetics Tuebingen
Classification: Benign. Last evaluated: 2026-03-01. Review status: criteria provided, single submitter. Criteria: CeGaT Center For Human Genetics Tuebingen Variant Classification Criteria Version 2. Collection method: clinical testing. Allele origin: germline. Affected: yes. Observed: 6 variant alleles.
Comment: SMARCA4: BP4, BS1, BS2

Labcorp Genetics (formerly Invitae), Labcorp
Classification: Benign for Rhabdoid tumor predisposition syndrome 2. Last evaluated: 2026-02-03. Review status: criteria provided, single submitter. Criteria: Invitae Variant Classification Sherloc (09022015). Collection method: clinical testing. Allele origin: germline.

Genomic Medicine Center of Excellence, King Faisal Specialist Hospital and Research Centre
Classification: Likely benign. Last evaluated: 2025-08-18. Review status: criteria provided, single submitter. Criteria: ACMG Guidelines, 2015. Collection method: clinical testing. Allele origin: germline.

Quest Diagnostics Nichols Institute San Juan Capistrano
Classification: Benign. Last evaluated: 2025-05-14. Review status: criteria provided, single submitter. Criteria: Quest Diagnostics criteria. Collection method: clinical testing. Allele origin: unknown.

ARUP Laboratories, Molecular Genetics and Genomics, ARUP Laboratories
Classification: Benign. Last evaluated: 2025-05-01. Review status: criteria provided, single submitter. Criteria: ARUP Molecular Germline Variant Investigation Process 2024. Collection method: clinical testing. Allele origin: germline.

Blueprint Genetics
Classification: Likely benign. Last evaluated: 2024-11-25. Review status: criteria provided, single submitter. Criteria: ACMG Guidelines, 2015. Collection method: clinical testing. Allele origin: germline.

Fulgent Genetics
Classification: Likely benign for Rhabdoid tumor predisposition syndrome 2; Intellectual disability, autosomal dominant 16. Last evaluated: 2022-05-13. Review status: criteria provided, single submitter. Criteria: ACMG Guidelines, 2015. Collection method: clinical testing. Allele origin: unknown.

Genome-Nilou Lab
Classification: Benign for Intellectual disability, autosomal dominant 16. Last evaluated: 2021-07-15. Review status: criteria provided, single submitter. Criteria: ACMG Guidelines, 2015. Collection method: clinical testing. Allele origin: germline. Affected: no.

Illumina Laboratory Services, Illumina
Classification: Benign for Coffin-Siris syndrome. Last evaluated: 2018-01-13. Review status: criteria provided, single submitter. Criteria: ICSL Variant Classification Criteria 13 December 2019. Collection method: clinical testing. Allele origin: germline.
Comment: This variant was observed in the ICSL laboratory as part of a predisposition screen in an ostensibly healthy population. It had not been previously curated by ICSL or reported in the Human Gene Mutation Database (HGMD: prior to June 1st, 2018), and was therefore a candidate for classification through an automated scoring system. Utilizing variant allele frequency, disease prevalence and penetrance estimates, and inheritance mode, an automated score was calculated to assess if this variant is too frequent to cause the disease. Based on the score and internal cut-off values, a variant classified as benign is not then subjected to further curation. The score for this variant resulted in a classification of benign for this disease.

GeneDx
Classification: Likely benign. Last evaluated: 2017-10-20. Review status: criteria provided, single submitter. Criteria: GeneDx Variant Classification (06012015). Collection method: clinical testing. Allele origin: germline. Affected: yes.
Comment: This variant is considered likely benign or benign based on one or more of the following criteria: it is a conservative change, it occurs at a poorly conserved position in the protein, it is predicted to be benign by multiple in silico algorithms, and/or has population frequency not consistent with disease.

Genetic Services Laboratory, University of Chicago
Classification: Benign. Last evaluated: 2015-09-17. Review status: criteria provided, single submitter. Criteria: ACMG Guidelines, 2015. Collection method: clinical testing. Allele origin: germline. Affected: no.